The following is an entry in ClinVar:

ClinVar aggregate classification (germline): Likely pathogenic (1 of 4 stars; one submission).

Submission:

CeGaT Center for Human Genetics Tuebingen
Classification: Likely pathogenic. Last evaluated: 2024-06-01. Review status: criteria provided, single submitter. Criteria: CeGaT Center For Human Genetics Tuebingen Variant Classification Criteria Version 2. Collection method: clinical testing. Allele origin: germline. Affected: yes. Observed: 1 variant allele.
Comment: TUBB2B: PM2, PS2:Moderate, PP2, PP3

NM_178012.5(TUBB2B):c.638G>C (p.Arg213Pro)

Gene: TUBB2B (tubulin beta 2B class IIb; minus strand). Cytogenetic location: 6p25.2.
Variant type: single nucleotide variant.
Coding change: c.638G>C on transcript NM_178012.5 (MANE Select); coding-DNA position 638, G replaced by C.
Protein change: p.Arg213Pro; replaces arginine 213 with proline.
Molecular consequence: missense variant.
Genome position (GRCh38, 1-based): chr6:3,225,451, C>G on the plus strand (G>C on the coding strand, the complement: TUBB2B is on the minus strand). VCF-style: chr6-3225451-C-G. GRCh37 (hg19) VCF-style: chr6-3225685-C-G.
Other names: short protein forms R213P.
Identifiers: ClinVar variation 3251027 (VCV003251027.18), dbSNP rs2533617467.